The following is an entry in ClinVar:

NM_000052.7(ATP7A):c.1805A>G (p.Asn602Ser)

Gene: ATP7A (ATPase copper transporting alpha; plus strand). Cytogenetic location: Xq21.1.
Variant type: single nucleotide variant.
Coding change: c.1805A>G on transcript NM_000052.7 (MANE Select); coding-DNA position 1805, A replaced by G.
Protein change: p.Asn602Ser; replaces asparagine 602 with serine.
Molecular consequence: missense variant.
Genome position (GRCh38, 1-based): chrX:78,009,199, A>G. VCF-style: chrX-78009199-A-G. GRCh37 (hg19) VCF-style: chrX-77264696-A-G.
Other names: c.1805A>G, p.Asn602Ser (NM_001282224.2); short protein forms N602S.
Identifiers: ClinVar variation 4792463 (VCV004792463.1).

ClinVar aggregate classification (germline): Uncertain significance (1 of 4 stars; one submission).

Conditions:
Menkes kinky-hair syndrome (MNK). Also called: Classic Menkes Disease; Copper transport disease; Menkes Disease. Identifiers: Orphanet 565, MedGen C0022716, MONDO:0010651, OMIM 309400.
Cutis laxa, X-linked (OHS). Also called: EDS IX; Occipital horn syndrome. Identifiers: Orphanet 198, MedGen C0268353, MONDO:0010572, OMIM 304150.
X-linked distal spinal muscular atrophy type 3. Also called: ATP7A-Related Distal Motor Neuropathy; SPINAL MUSCULAR ATROPHY, DISTAL, X-LINKED RECESSIVE; NEURONOPATHY, DISTAL HEREDITARY MOTOR, X-LINKED; NEUROPATHY, DISTAL HEREDITARY MOTOR, X-LINKED. Identifiers: Orphanet 139557, MedGen C1845359, MONDO:0010338, OMIM 300489.

Submission:

Labcorp Genetics (formerly Invitae), Labcorp
Classification: Uncertain significance for X-linked distal spinal muscular atrophy type 3; Cutis laxa, X-linked; Menkes kinky-hair syndrome. Last evaluated: 2025-12-19. Review status: criteria provided, single submitter. Criteria: Invitae Variant Classification Sherloc (09022015). Collection method: clinical testing. Allele origin: germline.
Comment: This sequence change replaces asparagine, which is neutral and polar, with serine, which is neutral and polar, at codon 602 of the ATP7A protein (p.Asn602Ser). This variant is not present in population databases (gnomAD no frequency). This variant has not been reported in the literature in individuals affected with ATP7A-related conditions. Invitae Evidence Modeling of protein sequence and biophysical properties (such as structural, functional, and spatial information, amino acid conservation, physicochemical variation, residue mobility, and thermodynamic stability) indicates that this missense variant is not expected to disrupt ATP7A protein function with a negative predictive value of 95%. In summary, the available evidence is currently insufficient to determine the role of this variant in disease. Therefore, it has been classified as a Variant of Uncertain Significance.